The following is an entry in ClinVar:

NM_001077350.3(NPRL3):c.85C>A (p.Gln29Lys)

Genes: HBA-LCR (alpha-globin locus control region; plus strand), NPRL3 (NPR3 like, GATOR1 complex subunit; minus strand). Cytogenetic location: 16p13.3.
Variant type: single nucleotide variant.
Coding change: c.85C>A on transcript NM_001077350.3 (MANE Select); coding-DNA position 85, C replaced by A.
Protein change: p.Gln29Lys; replaces glutamine 29 with lysine.
Molecular consequence: missense variant. On other transcripts: 5 prime UTR variant (2).
Genome position (GRCh38, 1-based): chr16:138,183, G>T on the plus strand (C>A on the coding strand, the complement: NPRL3 is on the minus strand). VCF-style: chr16-138183-G-T. GRCh37 (hg19) VCF-style: chr16-188182-G-T.
Other names: c.-248C>A (NM_001039476.3); c.-287C>A (NM_001243247.2); c.85C>A, p.Gln29Lys (NM_001243248.2, NM_001243249.2); short protein forms Q29K.
Identifiers: ClinVar variation 568625 (VCV000568625.8), dbSNP rs1021394339, ClinGen allele CA276426340.
Genomic context (GRCh38, chr16:138,183, plus strand): 5'-CCAGGCCCCCGCCCAGCGCTCACTTACTTGTCTGGGACGCCGGGTGCTCCTGGCTTCTCT[G>T]GAAGGGGTACCTGAACAGCAGCTTATTGCCCCTGCTCCCCGAGCTCACCAGAATCACGCT-3'
Protein context (NP_001070818.1, residues 19-39): GNKLLFRYPF[Gln29Lys]RSQEHPASQT

ClinVar aggregate classification (germline): Uncertain significance (1 of 4 stars; one submission).

Conditions:
Epilepsy, familial focal, with variable foci 3 (FFEVF3). Identifiers: MedGen C4310708, MONDO:0014925, OMIM 617118.

Allele frequency attached by ClinVar (database versions not stated): gnomAD 0.00001; TOPMed 0.00002.

Submission:

Labcorp Genetics (formerly Invitae), Labcorp
Classification: Uncertain significance for Epilepsy, familial focal, with variable foci 3. Last evaluated: 2023-02-22. Review status: criteria provided, single submitter. Criteria: Invitae Variant Classification Sherloc (09022015). Collection method: clinical testing. Allele origin: germline.
Comment: This variant is not present in population databases (gnomAD no frequency). This sequence change replaces glutamine, which is neutral and polar, with lysine, which is basic and polar, at codon 29 of the NPRL3 protein (p.Gln29Lys). This variant has not been reported in the literature in individuals affected with NPRL3-related conditions. ClinVar contains an entry for this variant (Variation ID: 568625). Advanced modeling of protein sequence and biophysical properties (such as structural, functional, and spatial information, amino acid conservation, physicochemical variation, residue mobility, and thermodynamic stability) performed at Invitae indicates that this missense variant is not expected to disrupt NPRL3 protein function. In summary, the available evidence is currently insufficient to determine the role of this variant in disease. Therefore, it has been classified as a Variant of Uncertain Significance.